The following is an entry in ClinVar:

ClinVar aggregate classification (germline): Conflicting classifications of pathogenicity. Review status: criteria provided, conflicting classifications (1 of 4 stars). 2 submissions from 2 submitters: Uncertain significance (1); Likely benign (1). Last evaluated 2025-08-23.

gnomAD v4.1: 25 of 1,613,818 alleles (0.0015%); highest among the groups gnomAD compares: Admixed American, 0.032%; no homozygotes.

Submissions (2):

Ambry Genetics
Classification: Likely benign. Last evaluated: 2025-08-23. Review status: criteria provided, single submitter. Criteria: Ambry Variant Classification Scheme 2023. Collection method: clinical testing. Allele origin: germline.

Labcorp Genetics (formerly Invitae), Labcorp
Classification: Uncertain significance. Last evaluated: 2025-04-01. Review status: criteria provided, single submitter. Criteria: Invitae Variant Classification Sherloc (09022015). Collection method: clinical testing. Allele origin: germline.
Comment: This sequence change replaces proline, which is neutral and non-polar, with leucine, which is neutral and non-polar, at codon 36 of the KANK1 protein (p.Pro36Leu). This variant is present in population databases (rs766838429, gnomAD 0.04%). This variant has not been reported in the literature in individuals affected with KANK1-related conditions. An algorithm developed to predict the effect of missense changes on protein structure and function (PolyPhen-2) suggests that this variant is likely to be disruptive. In summary, the available evidence is currently insufficient to determine the role of this variant in disease. Therefore, it has been classified as a Variant of Uncertain Significance.

NM_015158.5(KANK1):c.107C>T (p.Pro36Leu)

Gene: KANK1 (KN motif and ankyrin repeat domains 1; plus strand). Cytogenetic location: 9p24.3.
Variant type: single nucleotide variant.
Coding change: c.107C>T on transcript NM_015158.5 (MANE Select); coding-DNA position 107, C replaced by T.
Protein change: p.Pro36Leu; replaces proline 36 with leucine.
Molecular consequence: missense variant. On other transcripts: 5 prime UTR variant (13), non-coding transcript variant (1).
Genome position (GRCh38, 1-based): chr9:710,873, C>T. VCF-style: chr9-710873-C-T. GRCh37 (hg19) VCF-style: chr9-710873-C-T.
Other names: c.107C>T, p.Pro36Leu (NM_001256876.3, NM_001256877.3, NM_001354331.2 and 3 more transcripts); c.-368C>T (NM_001354333.2, NM_001354335.2, NM_001354336.2 and 10 more transcripts); short protein forms P36L.
Identifiers: ClinVar variation 4089580 (VCV004089580.2).
Genomic context (GRCh38, chr9:710,873, plus strand): 5'-GTGATATTCTCAGTGGAGACCAGGACAAGGAACAGAAAGACCCTTACTTTGTGGAGACCC[C>T]CTATGGTTATCAACTAGACTTAGATTTCCTCAAATATGTGGATGACATACAGAAGGGAAA-3'
Protein context (NP_055973.2, residues 26-46): EQKDPYFVET[Pro36Leu]YGYQLDLDFL